The following is an entry in ClinVar:

NM_000179.3(MSH6):c.2832A>G (p.Ile944Met)

Gene: MSH6 (mutS homolog 6; plus strand). Cytogenetic location: 2p16.3.
Variant type: single nucleotide variant.
Coding change: c.2832A>G on transcript NM_000179.3 (MANE Select); coding-DNA position 2832, A replaced by G.
Protein change: p.Ile944Met; replaces isoleucine 944 with methionine.
Molecular consequence: missense variant. On other transcripts: non-coding transcript variant (5), intron variant (2).
Genome position (GRCh38, 1-based): chr2:47,800,815, A>G. VCF-style: chr2-47800815-A-G. GRCh37 (hg19) VCF-style: chr2-48027954-A-G.
Other names: c.2442A>G, p.Ile814Met (NM_001281492.2); c.1926A>G, p.Ile642Met (NM_001281493.2, NM_001281494.2, NM_001406811.1 and 6 more transcripts); c.2928A>G, p.Ile976Met (NM_001406795.1, NM_001406802.1); c.2832A>G, p.Ile944Met (NM_001406796.1, NM_001406798.1, NM_001406800.1 and 2 more transcripts); c.2535A>G, p.Ile845Met (NM_001406797.1, NM_001406801.1, NM_001406805.1 and 10 more transcripts); c.2307A>G, p.Ile769Met (NM_001406799.1, NM_001406806.1, NM_001406807.1); c.2754A>G, p.Ile918Met (NM_001406804.1); c.2838A>G, p.Ile946Met (NM_001406813.1); and 4 more; short protein forms I259M, I642M, I944M, I976M, I814M, I845M, I888M, I918M.
Identifiers: ClinVar variation 2985384 (VCV002985384.5), dbSNP rs2530696075, ClinGen allele CA346755734.

ClinVar aggregate classification (germline): Uncertain significance. Review status: criteria provided, multiple submitters, no conflicts (2 of 4 stars). 3 submissions from 3 submitters: Uncertain significance (3). Last evaluated 2025-07-25.

Conditions:
Hereditary cancer-predisposing syndrome. Also called: Tumor predisposition; Hereditary neoplastic syndrome; Hereditary Cancer Syndrome; Neoplastic Syndromes, Hereditary. Identifiers: Orphanet 140162, MedGen C0027672, MeSH D009386, MONDO:0015356.
Lynch syndrome. Identifiers: Orphanet 144, MedGen C4552100, MONDO:0005835. Disease mechanism: loss of function.
Hereditary nonpolyposis colorectal neoplasms. Identifiers: MedGen C0009405, MeSH D003123.

Allele frequency attached by ClinVar (database versions not stated): gnomAD exomes below 0.00001.
gnomAD v4.1: 1 of 1,614,146 alleles (0.000062%); highest among the groups gnomAD compares: Non-Finnish European, 0.000085%; no homozygotes.

Submissions (3):

Ambry Genetics
Classification: Uncertain significance for Hereditary cancer-predisposing syndrome. Last evaluated: 2025-07-25. Review status: criteria provided, single submitter. Criteria: Ambry Variant Classification Scheme 2023. Collection method: clinical testing. Allele origin: germline.
Comment: The p.I944M variant (also known as c.2832A>G), located in coding exon 4 of the MSH6 gene, results from an A to G substitution at nucleotide position 2832. The isoleucine at codon 944 is replaced by methionine, an amino acid with highly similar properties. This amino acid position is conserved. In addition, this alteration is predicted to be deleterious by in silico analysis. Based on the available evidence, the clinical significance of this variant remains unclear.

Labcorp Genetics (formerly Invitae), Labcorp
Classification: Uncertain significance for Hereditary nonpolyposis colorectal neoplasms. Last evaluated: 2023-06-30. Review status: criteria provided, single submitter. Criteria: Invitae Variant Classification Sherloc (09022015). Collection method: clinical testing. Allele origin: germline.
Comment: This sequence change replaces isoleucine, which is neutral and non-polar, with methionine, which is neutral and non-polar, at codon 944 of the MSH6 protein (p.Ile944Met). This variant is not present in population databases (gnomAD no frequency). This variant has not been reported in the literature in individuals affected with MSH6-related conditions. Advanced modeling of protein sequence and biophysical properties (such as structural, functional, and spatial information, amino acid conservation, physicochemical variation, residue mobility, and thermodynamic stability) performed at Invitae indicates that this missense variant is not expected to disrupt MSH6 protein function. In summary, the available evidence is currently insufficient to determine the role of this variant in disease. Therefore, it has been classified as a Variant of Uncertain Significance.

All of Us Research Program, National Institutes of Health
Classification: Uncertain significance for Lynch syndrome. Last evaluated: 2023-04-27. Review status: criteria provided, single submitter. Criteria: ACMG Guidelines, 2015. Collection method: clinical testing. Allele origin: germline. Inheritance: Autosomal dominant inheritance. Observed: 1 variant allele, 1 heterozygote.
Comment: This study involves interpretation of variants in research participants for the purpose of population health screening. Participant phenotype was not available at the time of variant classification. Additional details can be found in publication PMID: 35346344, PMCID: PMC8962531